The following is an entry in ClinVar:

NM_001134831.2(AHI1):c.2912_2919dup (p.Thr974fs)

Gene: AHI1 (Abelson helper integration site 1; minus strand). Cytogenetic location: 6q23.3.
Variant type: Duplication.
Coding change: c.2912_2919dup on transcript NM_001134831.2 (MANE Select); coding-DNA positions 2912 to 2919, 8 bases duplicated (GTTCTTCA; older notation c.2912_2919dupGTTCTTCA).
Protein change: p.Thr974fs; shifts the reading frame from threonine 974.
Molecular consequence: frameshift variant.
Genome position (GRCh38, 1-based): chr6:135,411,390-135,411,397, TGAAGAAC duplicated on the plus strand (GTTCTTCA on the coding strand, the reverse complement: AHI1 is on the minus strand); duplicating any 8 consecutive bases within chr6:135,411,390-135,411,398 gives the same sequence; the c. name uses the placement nearest the transcript's 3' end. VCF-style (leftmost placement, unchanged base first): chr6-135411389-T-TTGAAGAAC. GRCh37 (hg19) VCF-style: chr6-135732527-T-TTGAAGAAC.
Other names: c.2912_2919dup, p.Thr974fs (NM_001134830.2, NM_001134832.2, NM_001350503.2 and 2 more transcripts); short protein forms T974fs.
Identifiers: ClinVar variation 953768 (VCV000953768.8), dbSNP rs1781571282, ClinGen allele CA1139659838.
Genomic context (GRCh38, chr6:135,411,389, plus strand): 5'-CTGCATAAAATAAACTTACTGTGACAGTTTCAAGCCTCTGTTTTACTAGCTGCATCTTCG[T>TTGAAGAAC]TGAAGAACTTTCAGTGTGGACAAATTCATCAATCTGAAAAGAGCCTTGATGGGGTAGTTT-3'

ClinVar aggregate classification (germline): Pathogenic (1 of 4 stars; one submission).

Conditions:
Joubert syndrome. Also called: Familial aplasia of the vermis; CEREBELLOPARENCHYMAL DISORDER IV; JOUBERT-BOLTSHAUSER SYNDROME. Identifiers: Orphanet 475, MedGen C5979921, MONDO:0018772.

Submission:

Labcorp Genetics (formerly Invitae), Labcorp
Classification: Pathogenic for Joubert syndrome. Last evaluated: 2022-02-04. Review status: criteria provided, single submitter. Criteria: Invitae Variant Classification Sherloc (09022015). Collection method: clinical testing. Allele origin: germline.
Comment: For these reasons, this variant has been classified as Pathogenic. ClinVar contains an entry for this variant (Variation ID: 953768). This variant has not been reported in the literature in individuals affected with AHI1-related conditions. This variant is not present in population databases (gnomAD no frequency). This sequence change creates a premature translational stop signal (p.Thr974Valfs*8) in the AHI1 gene. It is expected to result in an absent or disrupted protein product. Loss-of-function variants in AHI1 are known to be pathogenic (PMID: 15322546, 16453322, 28442542, 29186038).

Literature cited by the submitters: PubMed 15322546; PubMed 16453322; PubMed 28442542; PubMed 29186038.